The following is an entry in ClinVar:

NM_016507.4(CDK12):c.1551G>T (p.Glu517Asp)

Gene: CDK12 (cyclin dependent kinase 12; plus strand). Cytogenetic location: 17q12.
Variant type: single nucleotide variant.
Coding change: c.1551G>T on transcript NM_016507.4 (MANE Select); coding-DNA position 1551, G replaced by T.
Protein change: p.Glu517Asp; replaces glutamic acid 517 with aspartic acid.
Molecular consequence: missense variant.
Genome position (GRCh38, 1-based): chr17:39,471,383, G>T. VCF-style: chr17-39471383-G-T. GRCh37 (hg19) VCF-style: chr17-37627636-G-T.
Other names: c.1551G>T, p.Glu517Asp (NM_015083.4); short protein forms E517D.
Identifiers: ClinVar variation 3999522 (VCV003999522.1).

ClinVar aggregate classification (germline): Uncertain significance (1 of 4 stars; one submission).

Submission:

Ambry Genetics
Classification: Uncertain significance. Last evaluated: 2025-06-01. Review status: criteria provided, single submitter. Criteria: Ambry Variant Classification Scheme 2023. Collection method: clinical testing. Allele origin: germline.
Comment: The p.E517D variant (also known as c.1551G>T), located in coding exon 2 of the CDK12 gene, results from a G to T substitution at nucleotide position 1551. The glutamic acid at codon 517 is replaced by aspartic acid, an amino acid with highly similar properties. This amino acid position is conserved. In addition, this alteration is predicted to be tolerated by in silico analysis. Based on the available evidence, the clinical significance of this variant remains unclear.